The following is an entry in ClinVar:

NM_033026.6(PCLO):c.4894G>A (p.Glu1632Lys)

Gene: PCLO (piccolo presynaptic cytomatrix protein; minus strand). Cytogenetic location: 7q21.11.
Variant type: single nucleotide variant.
Coding change: c.4894G>A on transcript NM_033026.6 (MANE Select); coding-DNA position 4894, G replaced by A.
Protein change: p.Glu1632Lys; replaces glutamic acid 1632 with lysine.
Molecular consequence: missense variant.
Genome position (GRCh38, 1-based): chr7:82,956,059, C>T on the plus strand (G>A on the coding strand, the complement: PCLO is on the minus strand). VCF-style: chr7-82956059-C-T. GRCh37 (hg19) VCF-style: chr7-82585375-C-T.
Other names: c.4894G>A, p.Glu1632Lys (NM_014510.3); short protein forms E1632K.
Identifiers: ClinVar variation 2095514 (VCV002095514.4), dbSNP rs2535709704, ClinGen allele CA367925737.
Genomic context (GRCh38, chr7:82,956,059, plus strand): 5'-CCTGACTTTTAGTTTCTCTGTATTTAAGTTCAGGACTTTCATCAAATGCTTCATCGTCTT[C>T]ATCATGCCATGAGTGACGTCTTCCTGCATCTTCATCAATGCTTGTGCTACTTTTTCGAGT-3'
Protein context (NP_149015.2, residues 1622-1642): DAGRRHSWHD[Glu1632Lys]DDEAFDESPE

ClinVar aggregate classification (germline): Uncertain significance (1 of 4 stars; one submission).

Submission:

Labcorp Genetics (formerly Invitae), Labcorp
Classification: Uncertain significance. Last evaluated: 2022-02-09. Review status: criteria provided, single submitter. Criteria: Invitae Variant Classification Sherloc (09022015). Collection method: clinical testing. Allele origin: germline.
Comment: This variant has not been reported in the literature in individuals affected with PCLO-related conditions. Algorithms developed to predict the effect of missense changes on protein structure and function are either unavailable or do not agree on the potential impact of this missense change (SIFT: "Tolerated"; PolyPhen-2: "Not Available"; Align-GVGD: "Class C0"). In summary, the available evidence is currently insufficient to determine the role of this variant in disease. Therefore, it has been classified as a Variant of Uncertain Significance. This sequence change replaces glutamic acid, which is acidic and polar, with lysine, which is basic and polar, at codon 1632 of the PCLO protein (p.Glu1632Lys). This variant is not present in population databases (gnomAD no frequency).